The following is an entry in ClinVar:

ClinVar aggregate classification (germline): Pathogenic. Review status: reviewed by expert panel (3 of 4 stars). 5 submissions from 5 submitters: Pathogenic (1). 4 of the submissions do not count toward it. Last evaluated 2016-09-08.

Conditions:
Hereditary breast ovarian cancer syndrome. Also called: Hereditary breast and ovarian cancer syndrome; Hereditary breast and ovarian cancer; Hereditary breast and ovarian cancer syndrome (HBOC); Breast and ovarian cancer; Hereditary breast and/or ovarian cancer syndrome; BRCA1- and BRCA2-Associated Hereditary Breast and Ovarian Cancer. Identifiers: Orphanet 145, MedGen C0677776, MeSH D061325, MONDO:0003582. Disease mechanism: loss of function.
Breast-ovarian cancer, familial, susceptibility to, 2 (BROVCA2). Also called: BRCA2 Hereditary Breast and Ovarian Cancer. Identifiers: Orphanet 145, MedGen C2675520, MONDO:0012933, OMIM 612555. Disease mechanism: loss of function.

Submissions (5):

Evidence-based Network for the Interpretation of Germline Mutant Alleles (ENIGMA)
Classification: Pathogenic for Breast-ovarian cancer, familial, susceptibility to, 2. Last evaluated: 2016-09-08. Review status: reviewed by expert panel. Criteria: ENIGMA BRCA1/2 Classification Criteria (2015). Collection method: curation. Allele origin: germline.
Comment: Variant allele predicted to encode a truncated non-functional protein.

Labcorp Genetics (formerly Invitae), Labcorp
Classification: Pathogenic for Hereditary breast ovarian cancer syndrome. Last evaluated: 2023-07-13. Review status: criteria provided, single submitter. Criteria: Invitae Variant Classification Sherloc (09022015). Collection method: clinical testing. Allele origin: germline. Not counted in ClinVar's aggregate classification.
Comment: ClinVar contains an entry for this variant (Variation ID: 51580). For these reasons, this variant has been classified as Pathogenic. This variant is also known as T4229A. This sequence change creates a premature translational stop signal (p.Leu1334*) in the BRCA2 gene. It is expected to result in an absent or disrupted protein product. Loss-of-function variants in BRCA2 are known to be pathogenic (PMID: 20104584). This variant is not present in population databases (gnomAD no frequency). This premature translational stop signal has been observed in individual(s) with a personal and/or family history of breast and/or ovarian cancer (PMID: 10449599, 29446198).

Women's Health and Genetics/Laboratory Corporation of America, LabCorp
Classification: Pathogenic for Hereditary breast ovarian cancer syndrome. Last evaluated: 2021-12-02. Review status: criteria provided, single submitter. Criteria: LabCorp Variant Classification Summary - May 2015. Collection method: clinical testing. Allele origin: germline. Not counted in ClinVar's aggregate classification.
Comment: Variant summary: BRCA2 c.4001T>A (p.Leu1334X) results in a premature termination codon, predicted to cause a truncation of the encoded protein or absence of the protein due to nonsense mediated decay, which are commonly known mechanisms for disease. Truncations downstream of this position have been classified as pathogenic by our laboratory. The variant was absent in 230540 control chromosomes (gnomAD). c.4001T>A has been reported in the literature in individuals affected with Hereditary Breast And Ovarian Cancer (examples : Santarosa_1999 and Rebbeck_2018). These data indicate that the variant is likely to be associated with disease. At least one publication reports a truncated polypeptide was observed in an individual with this variant (Santarosa_1999). Two ClinVar submitters including an expert panel (ENIGMA) (evaluation after 2014) cite the variant as pathogenic. Based on the evidence outlined above, the variant was classified as pathogenic.

Consortium of Investigators of Modifiers of BRCA1/2 (CIMBA), c/o University of Cambridge
Classification: Pathogenic for Breast-ovarian cancer, familial, susceptibility to, 2. Last evaluated: 2015-10-02. Review status: criteria provided, single submitter. Criteria: CIMBA Mutation Classification guidelines May 2016. Collection method: clinical testing. Allele origin: germline. Not counted in ClinVar's aggregate classification.

Breast Cancer Information Core (BIC) (BRCA2)
Classification: Pathogenic for Breast-ovarian cancer, familial 2. Last evaluated: 1999-06-22. Review status: no assertion criteria provided. Collection method: clinical testing. Allele origin: germline. Affected: yes. Observed: 2 variant alleles. Not counted in ClinVar's aggregate classification.

Literature cited by the submitters: PubMed 20104584 (cited by Labcorp Genetics (formerly Invitae), Labcorp); PubMed 10449599 (cited by Labcorp Genetics (formerly Invitae), Labcorp and Women's Health and Genetics/Laboratory Corporation of America, LabCorp); PubMed 29446198 (cited by Labcorp Genetics (formerly Invitae), Labcorp and Women's Health and Genetics/Laboratory Corporation of America, LabCorp); PubMed 15340362 (cited by Women's Health and Genetics/Laboratory Corporation of America, LabCorp).

NM_000059.4(BRCA2):c.4001T>A (p.Leu1334Ter)

Gene: BRCA2 (BRCA2 DNA repair associated; plus strand). Cytogenetic location: 13q13.1.
Variant type: single nucleotide variant.
Coding change: c.4001T>A on transcript NM_000059.4 (MANE Select); coding-DNA position 4001, T replaced by A.
Protein change: p.Leu1334Ter; replaces leucine 1334 with a stop codon.
Molecular consequence: nonsense.
Genome position (GRCh38, 1-based): chr13:32,338,356, T>A. VCF-style: chr13-32338356-T-A. GRCh37 (hg19) VCF-style: chr13-32912493-T-A.
Other names: short protein forms L1334*.
Identifiers: ClinVar variation 51580 (VCV000051580.9), dbSNP rs80358652, ClinGen allele CA019375.